The following is an entry in ClinVar:

NM_058216.3(RAD51C):c.571+3A>G

Gene: RAD51C (RAD51 paralog C; plus strand). Cytogenetic location: 17q22.
Variant type: single nucleotide variant.
Coding change: c.571+3A>G on transcript NM_058216.3 (MANE Select); 3 bases into the intron after coding-DNA position 571, A replaced by G.
Molecular consequence: intron variant.
Genome position (GRCh38, 1-based): chr17:58,696,862, A>G. VCF-style: chr17-58696862-A-G. GRCh37 (hg19) VCF-style: chr17-56774223-A-G.
Identifiers: ClinVar variation 3894297 (VCV003894297.1).
Genomic context (GRCh38, chr17:58,696,862, plus strand): 5'-CTTGCTACTGCCTGCATTCAGCACCTTCAGCTTATAGCAGAAAAACACAAGGGAGAGGGT[A>G]AGTTAGTAAATGATCTTCTTTTTTTCTGTATTAATAAAAGTAATTTGCATTTGTGCCCAT-3'

ClinVar aggregate classification (germline): Uncertain significance (1 of 4 stars; one submission).

Conditions:
Hereditary cancer-predisposing syndrome. Also called: Neoplastic Syndromes, Hereditary; Tumor predisposition; Hereditary Cancer Syndrome; Hereditary neoplastic syndrome. Identifiers: Orphanet 140162, MedGen C0027672, MeSH D009386, MONDO:0015356.

Submission:

Color Diagnostics, LLC DBA Color Health
Classification: Uncertain significance for Hereditary cancer-predisposing syndrome. Last evaluated: 2025-04-07. Review status: criteria provided, single submitter. Criteria: ACMG Guidelines, 2015. Collection method: clinical testing. Allele origin: germline.
Comment: This variant causes an A to G nucleotide substitution at the +3 position of intron 3/8 of the RAD51C gene. To our knowledge, functional studies have not been reported for this variant. This variant has not been reported in individuals affected with RAD51C-related disorders in the literature. This variant has not been identified in the general population by the Genome Aggregation Database (gnomAD). The available evidence is insufficient to determine the role of this variant in disease conclusively. Therefore, this variant is classified as a Variant of Uncertain Significance.